The following is an entry in ClinVar:

ClinVar aggregate classification (germline): Uncertain significance (1 of 4 stars; one submission).

Conditions:
Hereditary cancer-predisposing syndrome. Also called: Hereditary Cancer Syndrome; Hereditary neoplastic syndrome; Neoplastic Syndromes, Hereditary; Tumor predisposition. Identifiers: Orphanet 140162, MedGen C0027672, MeSH D009386, MONDO:0015356.

Submission:

Labcorp Genetics (formerly Invitae), Labcorp
Classification: Uncertain significance for Hereditary cancer-predisposing syndrome. Last evaluated: 2021-07-13. Review status: criteria provided, single submitter. Criteria: Invitae Variant Classification Sherloc (09022015). Collection method: clinical testing. Allele origin: germline.
Comment: This variant has not been reported in the literature in individuals affected with RAD50-related conditions. This sequence change replaces asparagine with histidine at codon 270 of the RAD50 protein (p.Asn270His). The asparagine residue is moderately conserved and there is a small physicochemical difference between asparagine and histidine. This variant is not present in population databases (ExAC no frequency). Algorithms developed to predict the effect of missense changes on protein structure and function are either unavailable or do not agree on the potential impact of this missense change (SIFT: "Deleterious"; PolyPhen-2: "Possibly Damaging"; Align-GVGD: "Class C0"). In summary, the available evidence is currently insufficient to determine the role of this variant in disease. Therefore, it has been classified as a Variant of Uncertain Significance.

NM_005732.4(RAD50):c.808A>C (p.Asn270His)

Gene: RAD50 (RAD50 double strand break repair protein; plus strand). Cytogenetic location: 5q31.1.
Variant type: single nucleotide variant.
Coding change: c.808A>C on transcript NM_005732.4 (MANE Select); coding-DNA position 808, A replaced by C.
Protein change: p.Asn270His; replaces asparagine 270 with histidine.
Molecular consequence: missense variant.
Genome position (GRCh38, 1-based): chr5:132,587,613, A>C. VCF-style: chr5-132587613-A-C. GRCh37 (hg19) VCF-style: chr5-131923305-A-C.
Other names: short protein forms N270H.
Identifiers: ClinVar variation 1449508 (VCV001449508.8), dbSNP rs2149840427, ClinGen allele CA360940177.
Genomic context (GRCh38, chr5:132,587,613, plus strand): 5'-TATTTTCAGAATCGTCTAAAAGAAATTGAACATAATCTCTCTAAAATAATGAAACTTGAC[A>C]ATGAAATTAAAGCCTTGGATAGCCGAAAGAAGCAAATGGAGAAAGATAATAGTGAACTGG-3'
Protein context (NP_005723.2, residues 260-280): HNLSKIMKLD[Asn270His]EIKALDSRKK